The following is an entry in ClinVar:

ClinVar aggregate classification (germline): Uncertain significance (1 of 4 stars; one submission).

Conditions:
Early-infantile DEE. Also called: Ohtahara syndrome; Early infantile epileptic encephalopathy; Early infantile epileptic encephalopathy with suppression bursts. Identifiers: Orphanet 1934, MedGen C0393706, MONDO:0800491.

Submission:

Labcorp Genetics (formerly Invitae), Labcorp
Classification: Uncertain significance for Early-infantile DEE. Last evaluated: 2023-08-01. Review status: criteria provided, single submitter. Criteria: Invitae Variant Classification Sherloc (09022015). Collection method: clinical testing. Allele origin: germline.
Comment: In summary, the available evidence is currently insufficient to determine the role of this variant in disease. Therefore, it has been classified as a Variant of Uncertain Significance. Advanced modeling of protein sequence and biophysical properties (such as structural, functional, and spatial information, amino acid conservation, physicochemical variation, residue mobility, and thermodynamic stability) performed at Invitae indicates that this missense variant is expected to disrupt SCN8A protein function. ClinVar contains an entry for this variant (Variation ID: 1486599). This missense change has been observed in individual(s) with clinical features of SCN8A-related conditions (Invitae). This variant is not present in population databases (gnomAD no frequency). This sequence change replaces tyrosine, which is neutral and polar, with histidine, which is basic and polar, at codon 1609 of the SCN8A protein (p.Tyr1609His).

NM_001330260.2(SCN8A):c.4825T>C (p.Tyr1609His)

Gene: SCN8A (sodium voltage-gated channel alpha subunit 8; plus strand). Cytogenetic location: 12q13.13.
Variant type: single nucleotide variant.
Coding change: c.4825T>C on transcript NM_001330260.2 (MANE Select); coding-DNA position 4825, T replaced by C.
Protein change: p.Tyr1609His; replaces tyrosine 1609 with histidine.
Molecular consequence: missense variant.
Genome position (GRCh38, 1-based): chr12:51,806,311, T>C. VCF-style: chr12-51806311-T-C. GRCh37 (hg19) VCF-style: chr12-52200095-T-C.
Other names: c.4702T>C, p.Tyr1568His (NM_001177984.3, NM_001369788.1); c.4825T>C, p.Tyr1609His (NM_014191.4); short protein forms Y1568H, Y1609H.
Identifiers: ClinVar variation 1486599 (VCV001486599.9), dbSNP rs2138942236, ClinGen allele CA384880321.